The following is an entry in ClinVar:

NM_015559.3(SETBP1):c.2989C>T (p.Pro997Ser)

Gene: SETBP1 (SET binding protein 1; plus strand). Cytogenetic location: 18q12.3.
Variant type: single nucleotide variant.
Coding change: c.2989C>T on transcript NM_015559.3 (MANE Select); coding-DNA position 2989, C replaced by T.
Protein change: p.Pro997Ser; replaces proline 997 with serine.
Molecular consequence: missense variant.
Genome position (GRCh38, 1-based): chr18:44,952,329, C>T. VCF-style: chr18-44952329-C-T. GRCh37 (hg19) VCF-style: chr18-42532294-C-T.
Other names: c.2989C>T, p.Pro997Ser (NM_001379141.1, NM_001379142.1, NM_001410862.1); short protein forms P997S.
Identifiers: ClinVar variation 2693604 (VCV002693604.3), dbSNP rs2511474100, ClinGen allele CA402322873.

ClinVar aggregate classification (germline): Uncertain significance (1 of 4 stars; one submission).

Submission:

Labcorp Genetics (formerly Invitae), Labcorp
Classification: Uncertain significance. Last evaluated: 2023-11-06. Review status: criteria provided, single submitter. Criteria: Invitae Variant Classification Sherloc (09022015). Collection method: clinical testing. Allele origin: germline.
Comment: This sequence change replaces proline, which is neutral and non-polar, with serine, which is neutral and polar, at codon 997 of the SETBP1 protein (p.Pro997Ser). This variant is not present in population databases (gnomAD no frequency). This variant has not been reported in the literature in individuals affected with SETBP1-related conditions. Advanced modeling of protein sequence and biophysical properties (such as structural, functional, and spatial information, amino acid conservation, physicochemical variation, residue mobility, and thermodynamic stability) has been performed at Invitae for this missense variant, however the output from this modeling did not meet the statistical confidence thresholds required to predict the impact of this variant on SETBP1 protein function. In summary, the available evidence is currently insufficient to determine the role of this variant in disease. Therefore, it has been classified as a Variant of Uncertain Significance.